The following is an entry in ClinVar:

NM_001386140.1(MTTP):c.1150G>A (p.Asp384Asn)

Gene: MTTP (microsomal triglyceride transfer protein; plus strand). Cytogenetic location: 4q23.
Variant type: single nucleotide variant.
Coding change: c.1150G>A on transcript NM_001386140.1 (MANE Select); coding-DNA position 1150, G replaced by A.
Protein change: p.Asp384Asn; replaces aspartic acid 384 with asparagine.
Molecular consequence: missense variant.
Genome position (GRCh38, 1-based): chr4:99,600,647, G>A. VCF-style: chr4-99600647-G-A. GRCh37 (hg19) VCF-style: chr4-100521804-G-A.
Other names: c.1150G>A, p.Asp384Asn (NM_000253.4); c.901G>A, p.Asp301Asn (NM_001300785.2); short protein forms D301N, D384N.
Identifiers: ClinVar variation 2155896 (VCV002155896.1), dbSNP rs780767739, ClinGen allele CA3022040.

ClinVar aggregate classification (germline): Uncertain significance (1 of 4 stars; one submission).

Allele frequency attached by ClinVar (database versions not stated): gnomAD exomes below 0.00001; TOPMed below 0.00001; ExAC 0.00001.
gnomAD v4.1: 7 of 1,613,804 alleles (0.00043%); highest among the groups gnomAD compares: Non-Finnish European, 0.00051%; no homozygotes.

Submission:

Labcorp Genetics (formerly Invitae), Labcorp
Classification: Uncertain significance. Last evaluated: 2022-04-09. Review status: criteria provided, single submitter. Criteria: Invitae Variant Classification Sherloc (09022015). Collection method: clinical testing. Allele origin: germline.
Comment: This sequence change replaces aspartic acid, which is acidic and polar, with asparagine, which is neutral and polar, at codon 384 of the MTTP protein (p.Asp384Asn). This variant is present in population databases (rs780767739, gnomAD 0.0009%). This variant has not been reported in the literature in individuals affected with MTTP-related conditions. Algorithms developed to predict the effect of missense changes on protein structure and function (SIFT, PolyPhen-2, Align-GVGD) all suggest that this variant is likely to be tolerated. In summary, the available evidence is currently insufficient to determine the role of this variant in disease. Therefore, it has been classified as a Variant of Uncertain Significance.